The following continues an entry in ClinVar:

NM_001177316.2(SLC34A3):c.756G>A (p.Gln252=)

Gene: SLC34A3. ClinVar aggregate classification (germline): Conflicting classifications of pathogenicity. Likely pathogenic (1); Uncertain significance (6); Benign (1); Likely benign (2).

Submissions 10 to 14 of 14:

ARUP Laboratories, Molecular Genetics and Genomics, ARUP Laboratories
Classification: Uncertain significance for Autosomal recessive hypophosphatemic bone disease. Last evaluated: 2022-03-31. Review status: criteria provided, single submitter. Criteria: ARUP Molecular Germline Variant Investigation Process 2021. Collection method: clinical testing. Allele origin: germline.
Comment: The SLC34A3 c.756G>A; p.Gln252= variant (rs121918239) is described in the literature in 3 affected individuals who also carried an additional SLC34A3 variant (Hureaux 2019, Ichikawa 2006, Vaisitti 2021). The variant is listed in the ClinVar database (Variation ID: 1434) and is reported in the South Asian population with an allele frequency of 0.7% (211/28,892 alleles including 2 homozygotes) in the Genome Aggregation Database. This is a synonymous variant in the last nucleotide of exon 7, a moderately conserved nucleotide, and computational analyses (Alamut v.2.11) predict that this variant may impact splicing by weakening the nearby canonical donor splice site. However, given the lack of functional data and the relatively high population frequency, the significance of the p.Gln252= variant is uncertain at this time. References: Hureaux M et al. High-throughput sequencing contributes to the diagnosis of tubulopathies and familial hypercalcemia hypocalciuria in adults. Kidney Int. 2019 Dec;96(6):1408-1416. PMID: 31672324. Ichikawa S et al. Intronic deletions in the SLC34A3 gene cause hereditary hypophosphatemic rickets with hypercalciuria. J Clin Endocrinol Metab. 2006 Oct;91(10):4022-7. PMID: 16849419. Vaisitti T et al. Clinical exome sequencing is a powerful tool in the diagnostic flow of monogenic kidney diseases: an Italian experience. J Nephrol. 2021 Oct;34(5):1767-1781. PMID: 33226606.

Reproductive Health Research and Development, BGI Genomics
Classification: Uncertain significance for Autosomal recessive hypophosphatemic bone disease. Last evaluated: 2020-01-06. Review status: no assertion criteria provided. Collection method: curation. Allele origin: germline. Not counted in ClinVar's aggregate classification.
Comment: NM_080877.2:c.756G>A in the SLC34A3 gene has an allele frequency of 0.007 in South Asian subpopulation in the gnomAD database. It is a synonymous (silent) variant for which splicing prediction algorithms predict no impact to the splice consensus sequence nor the creation of a new splice site and the nucleotide is not highly conserved. One affected individual with hereditary hypophosphatemic rickets with hypercalciuria was a compound heterozygote for this variant and an 85-bp deletion in intron 10 (PMID: 16849419). We interpret it as variant of uncertain significance (VUS). ACMG/AMP criteria applied: BP7, PM3, PP4.

OMIM
Classification: Pathogenic for HYPOPHOSPHATEMIC RICKETS WITH HYPERCALCIURIA, HEREDITARY. Last evaluated: 2006-10-01. Review status: no assertion criteria provided. Collection method: literature only. Allele origin: germline. Not counted in ClinVar's aggregate classification.

Dr. Peter K. Rogan Lab, Western University
No classification provided (evidence only). Condition: Clear cell carcinoma of kidney. Review status: no classification provided. Collection method: in vitro. Allele origin: not applicable. Functional consequence: retained intron. Not counted in ClinVar's aggregate classification.

Dr. Peter K. Rogan Lab, Western University
No classification provided (evidence only). Condition: Thyroid cancer, nonmedullary, 1. Review status: no classification provided. Collection method: in vitro. Allele origin: not applicable. Functional consequence: retained intron. Not counted in ClinVar's aggregate classification.

Literature cited by the submitters: PubMed 40794449 (cited by Rare Kidney Stone Consortium and the Mayo Clinic Hyperoxaluria Center, Mayo Clinic); PubMed 16849419 (cited by 3 submitters); PubMed 31672324 (cited by Women's Health and Genetics/Laboratory Corporation of America, LabCorp); PubMed 36699160 (cited by Women's Health and Genetics/Laboratory Corporation of America, LabCorp); PubMed 35689455 (cited by Women's Health and Genetics/Laboratory Corporation of America, LabCorp); PubMed 32524022 (cited by Victorian Clinical Genetics Services, Murdoch Childrens Research Institute); PubMed 33226606 (cited by Victorian Clinical Genetics Services, Murdoch Childrens Research Institute).